The following is an entry in ClinVar:

ClinVar aggregate classification (germline): Likely pathogenic (1 of 4 stars; one submission).

Conditions:
Tubulointerstitial kidney disease, autosomal dominant, 2 (ADTKD2). Also called: Autosomal Dominant Tubulointerstitial Kidney Disease – MUC1; MEDULLARY CYSTIC KIDNEY DISEASE, AUTOSOMAL DOMINANT; POLYCYSTIC KIDNEYS, MEDULLARY TYPE; Medullary cystic kidney disease 1. Identifiers: Orphanet 34149, Orphanet 88949, MedGen C1868139, MONDO:0020726, OMIM 174000.

Submission:

3billion
Classification: Likely pathogenic for Tubulointerstitial kidney disease, autosomal dominant, 2. Last evaluated: 2026-01-19. Review status: criteria provided, single submitter. Criteria: ACMG Guidelines, 2015. Collection method: clinical testing. Allele origin: germline. Affected: yes.
Comment: The variant is not observed in the gnomAD v4.1.0 dataset. Predicted Consequence/Location: Frameshift: predicted to result in a loss or disruption of normal protein function through nonsense-mediated decay (NMD) or protein truncation. Multiple pathogenic variants are reported downstream of the variant. Therefore, this variant is classified as Likely pathogenic according to the recommendation of ACMG/AMP guideline.

NM_001371720.2(MUC1):c.111del (p.Ser38fs)

Gene: MUC1 (mucin 1, cell surface associated; minus strand). Cytogenetic location: 1q22.
Variant type: Deletion.
Coding change: c.111del on transcript NM_001371720.2; coding-DNA position 111, one base deleted (C; older notation c.111delC).
Protein change: p.Ser38fs; shifts the reading frame from serine 38.
Molecular consequence: frameshift variant. On other transcripts: intron variant (1).
Genome position (GRCh38, 1-based): chr1:155,192,258, G deleted on the plus strand (C on the coding strand, the reverse complement: MUC1 is on the minus strand). VCF-style (leftmost placement, unchanged base first): chr1-155192257-AG-A. GRCh37 (hg19) VCF-style: chr1-155162048-AG-A.
Other names: c.111del, p.Ser38fs (NM_001018016.3, NM_001044392.3, NM_001204286.1 and 8 more transcripts); c.84del, p.Ser29fs (NM_001018017.3, NM_001044390.3, NM_001044391.3 and 5 more transcripts); c.59-11del (NM_001204290.2); short protein forms S29fs, S38fs.
Identifiers: ClinVar variation 4854070 (VCV004854070.1).